The following is an entry in ClinVar:

ClinVar aggregate classification (germline): Likely pathogenic (1 of 4 stars; one submission).

Conditions:
GPNMB-related disorder. Also called: GPNMB-related condition.

Allele frequency attached by ClinVar (database versions not stated): gnomAD exomes 0.00004; ExAC 0.00005; TOPMed 0.00007; ESP Exome Variant Server 0.00008; gnomAD 0.00008.
gnomAD v4.1: 69 of 1,603,382 alleles (0.0043%); highest among the groups gnomAD compares: Non-Finnish European, 0.0055%; no homozygotes.

Submissions (2):

PreventionGenetics, part of Exact Sciences
Classification: Likely pathogenic for GPNMB-related condition. Last evaluated: 2023-06-26. Review status: criteria provided, single submitter. Criteria: ACMG Guidelines, 2015. Collection method: clinical testing. Allele origin: germline.
Comment: The GPNMB c.701-2A>C variant is predicted to disrupt the AG splice acceptor site and interfere with normal splicing. To our knowledge, this variant has not been reported in the literature. This variant is reported in 0.013% of alleles in individuals of European (Non-Finnish) descent in gnomAD. Variants that disrupt consensus splice acceptor site in GPNMB are expected to be pathogenic. Therefore, this variant is interpreted as likely pathogenic.

Dr. Peter K. Rogan Lab, Western University
No classification provided (evidence only). Condition: Familial cancer of breast. Review status: no classification provided. Collection method: in vitro. Allele origin: not applicable. Functional consequence: skipped exon. Not counted in ClinVar's aggregate classification.

NM_002510.3(GPNMB):c.701-2A>C

Gene: GPNMB (glycoprotein nmb; plus strand). Cytogenetic location: 7p15.3.
Variant type: single nucleotide variant.
Coding change: c.701-2A>C on transcript NM_002510.3 (MANE Select); the canonical splice acceptor site of the intron before coding-DNA position 701, A replaced by C.
Molecular consequence: splice acceptor variant.
Genome position (GRCh38, 1-based): chr7:23,260,454, A>C. VCF-style: chr7-23260454-A-C. GRCh37 (hg19) VCF-style: chr7-23300073-A-C.
Other names: NC_000007.13:g.23300073A>C; c.701-2A>C (NM_001005340.2).
Identifiers: ClinVar variation 2629416 (VCV002629416.2), dbSNP rs371776692, ClinGen allele CA4187513.
Genomic context (GRCh38, chr7:23,260,454, plus strand): 5'-GCCCTCCACTTACAATCAAGCAATCATGCATTCTTTATTTCTTTGGGGGATGTATCTTTT[A>C]GATCAGATTCCTGTGTTTGTGACTATGTTCCAGAAGAACGATCGAAATTCATCCGACGAA-3'